The following is an entry in ClinVar:

ClinVar aggregate classification (germline): Uncertain significance (1 of 4 stars; one submission).

Conditions:
EGFR-related lung cancer (EGFR). Identifiers: MedGen CN130014.

Allele frequency attached by ClinVar (database versions not stated): gnomAD exomes below 0.00001; ExAC 0.00001.

Submission:

Labcorp Genetics (formerly Invitae), Labcorp
Classification: Uncertain significance for EGFR-related lung cancer. Last evaluated: 2024-04-15. Review status: criteria provided, single submitter. Criteria: Invitae Variant Classification Sherloc (09022015). Collection method: clinical testing. Allele origin: germline.
Comment: This sequence change replaces glycine, which is neutral and non-polar, with aspartic acid, which is acidic and polar, at codon 495 of the EGFR protein (p.Gly495Asp). This variant is present in population databases (rs766676440, gnomAD 0.007%). This variant has not been reported in the literature in individuals affected with EGFR-related conditions. Advanced modeling of protein sequence and biophysical properties (such as structural, functional, and spatial information, amino acid conservation, physicochemical variation, residue mobility, and thermodynamic stability) performed at Invitae indicates that this missense variant is not expected to disrupt EGFR protein function with a negative predictive value of 80%. In summary, the available evidence is currently insufficient to determine the role of this variant in disease. Therefore, it has been classified as a Variant of Uncertain Significance.

NM_005228.5(EGFR):c.1484G>A (p.Gly495Asp)

Gene: EGFR (epidermal growth factor receptor; plus strand). Cytogenetic location: 7p11.2.
Variant type: single nucleotide variant.
Coding change: c.1484G>A on transcript NM_005228.5 (MANE Select); coding-DNA position 1484, G replaced by A.
Protein change: p.Gly495Asp; replaces glycine 495 with aspartic acid.
Molecular consequence: missense variant.
Genome position (GRCh38, 1-based): chr7:55,160,324, G>A. VCF-style: chr7-55160324-G-A. GRCh37 (hg19) VCF-style: chr7-55228017-G-A.
Other names: c.1349G>A, p.Gly450Asp (NM_001346897.2, NM_001346899.2); c.1484G>A, p.Gly495Asp (NM_001346898.2, NM_201282.2, NM_201284.2); c.1325G>A, p.Gly442Asp (NM_001346900.2); c.683G>A, p.Gly228Asp (NM_001346941.2); short protein forms G442D, G228D, G450D, G495D.
Identifiers: ClinVar variation 2758977 (VCV002758977.3), dbSNP rs766676440, ClinGen allele CA4265580.